The following is an entry in ClinVar:

NM_000330.4(RS1):c.527T>C (p.Phe176Ser)

Genes: CDKL5 (cyclin dependent kinase like 5; plus strand), RS1 (retinoschisin 1; minus strand). Cytogenetic location: Xp22.13.
Variant type: single nucleotide variant.
Coding change: c.527T>C on transcript NM_000330.4 (MANE Select); coding-DNA position 527, T replaced by C.
Protein change: p.Phe176Ser; replaces phenylalanine 176 with serine.
Molecular consequence: missense variant. On other transcripts: intron variant (2).
Genome position (GRCh38, 1-based): chrX:18,642,152, A>G on the plus strand (T>C on the coding strand, the complement: RS1 is on the minus strand). VCF-style: chrX-18642152-A-G. GRCh37 (hg19) VCF-style: chrX-18660272-A-G.
Other names: c.2714-3855A>G (NM_003159.3, NM_001037343.2); short protein forms F176S.
Identifiers: ClinVar variation 2138481 (VCV002138481.6), dbSNP rs2518916750, ClinGen allele CA412370620.
Genomic context (GRCh38, chrX:18,642,152, plus strand): 5'-GAGATGATGGGGGGCCGCAGCAGGTTCTGAACCGTGGAGGTGCGGTCCGAGTTGCCATAG[A>G]AGACCTAGAGAGATAGAGGAAATCCTGTCACCATCACATCGGGGAGGGAAAAGGAAGAAG-3'
Protein context (NP_000321.1, residues 166-186): YKDQTGNNRV[Phe176Ser]YGNSDRTSTV

ClinVar aggregate classification (germline): Conflicting classifications of pathogenicity. Review status: criteria provided, conflicting classifications (1 of 4 stars). 3 submissions from 3 submitters: Pathogenic (2); Uncertain significance (1). Last evaluated 2025-07-11.

Conditions:
RS1-related disorder. Also called: RS1-related condition.

Submissions (3):

Women's Health and Genetics/Laboratory Corporation of America, LabCorp
Classification: Uncertain significance. Last evaluated: 2025-07-11. Review status: criteria provided, single submitter. Criteria: LabCorp Variant Classification Summary - May 2015. Collection method: clinical testing. Allele origin: germline.
Comment: Variant summary: RS1 c.527T>C (p.Phe176Ser) results in a non-conservative amino acid change located in the Coagulation factor 5/8 C-terminal domain (IPR000421) of the encoded protein sequence. Algorithms developed to predict the effect of missense changes on protein structure and function all suggest that this variant is likely to be disruptive. The variant was absent in 182463 control chromosomes. c.527T>C has been reported in the literature in one patient affected with Juvenile Retinoschisis (Hewitt_2005, Internal data). These data indicate that the variant may be associated with disease. The following publications have been ascertained in the context of this evaluation (PMID: 15932525). ClinVar contains an entry for this variant (Variation ID: 2138481). Based on the evidence outlined above, the variant was classified as VUS-possibly pathogenic.

Labcorp Genetics (formerly Invitae), Labcorp
Classification: Pathogenic. Last evaluated: 2025-05-05. Review status: criteria provided, single submitter. Criteria: Invitae Variant Classification Sherloc (09022015). Collection method: clinical testing. Allele origin: germline.
Comment: This sequence change replaces phenylalanine, which is neutral and non-polar, with serine, which is neutral and polar, at codon 176 of the RS1 protein (p.Phe176Ser). This variant is not present in population databases (gnomAD no frequency). This missense change has been observed in individual(s) with X-linked retinoschisis (PMID: 15932525; internal data). ClinVar contains an entry for this variant (Variation ID: 2138481). Invitae Evidence Modeling of protein sequence and biophysical properties (such as structural, functional, and spatial information, amino acid conservation, physicochemical variation, residue mobility, and thermodynamic stability) indicates that this missense variant is expected to disrupt RS1 protein function with a positive predictive value of 95%. This variant disrupts the p.Phe176 amino acid residue in RS1. Other variant(s) that disrupt this residue have been observed in individuals with RS1-related conditions (PMID: 15932525, 28348004), which suggests that this may be a clinically significant amino acid residue. For these reasons, this variant has been classified as Pathogenic.

Blueprint Genetics
Classification: Pathogenic for RS1-related disorders. Last evaluated: 2018-10-01. Review status: criteria provided, single submitter. Criteria: ACMG Guidelines, 2015. Collection method: clinical testing. Allele origin: germline. Affected: yes. Observed: 3 variant alleles.

Literature cited by the submitters: PubMed 15932525 (cited by Women's Health and Genetics/Laboratory Corporation of America, LabCorp and Labcorp Genetics (formerly Invitae), Labcorp); PubMed 28348004 (cited by Labcorp Genetics (formerly Invitae), Labcorp).